The following is an entry in ClinVar:

ClinVar aggregate classification (germline): Likely benign. Review status: criteria provided, multiple submitters, no conflicts (2 of 4 stars). 2 submissions from 2 submitters: Likely benign (2). Last evaluated 2026-03-01.

gnomAD v4.1: 333 of 1,590,304 alleles (0.021%); highest among the groups gnomAD compares: Non-Finnish European, 0.025%; no homozygotes.

Submissions (2):

CeGaT Center for Human Genetics Tuebingen
Classification: Likely benign. Last evaluated: 2026-03-01. Review status: criteria provided, single submitter. Criteria: CeGaT Center For Human Genetics Tuebingen Variant Classification Criteria Version 2. Collection method: clinical testing. Allele origin: germline. Affected: yes. Observed: 1 variant allele.
Comment: FAAP100: BP4, BP7

Blueprint Genetics
Classification: Likely benign. Last evaluated: 2024-07-30. Review status: criteria provided, single submitter. Criteria: ACMG Guidelines, 2015. Collection method: clinical testing. Allele origin: germline.

NM_025161.6(FAAP100):c.2559G>A (p.Thr853=)

Gene: FAAP100 (FA core complex associated protein 100; minus strand). Cytogenetic location: 17q25.3.
Variant type: single nucleotide variant.
Coding change: c.2559G>A on transcript NM_025161.6 (MANE Select); coding-DNA position 2559, G replaced by A.
Protein change: p.Thr853=; no amino-acid change (threonine 853 retained).
Molecular consequence: synonymous variant. On other transcripts: non-coding transcript variant (1).
Genome position (GRCh38, 1-based): chr17:81,540,906, C>T on the plus strand (G>A on the coding strand, the complement: FAAP100 is on the minus strand). VCF-style: chr17-81540906-C-T. GRCh37 (hg19) VCF-style: chr17-79507932-C-T.
Identifiers: ClinVar variation 4821320 (VCV004821320.5).